The following is an entry in ClinVar:

NM_025137.4(SPG11):c.4915G>A (p.Val1639Met)

Gene: SPG11 (SPG11 vesicle trafficking associated, spatacsin; minus strand). Cytogenetic location: 15q21.1.
Variant type: single nucleotide variant.
Coding change: c.4915G>A on transcript NM_025137.4 (MANE Select); coding-DNA position 4915, G replaced by A.
Protein change: p.Val1639Met; replaces valine 1639 with methionine.
Molecular consequence: missense variant.
Genome position (GRCh38, 1-based): chr15:44,585,842, C>T on the plus strand (G>A on the coding strand, the complement: SPG11 is on the minus strand). VCF-style: chr15-44585842-C-T. GRCh37 (hg19) VCF-style: chr15-44878040-C-T.
Other names: c.4915G>A, p.Val1639Met (NM_001160227.2, NM_001411132.1); short protein forms V1639M.
Identifiers: ClinVar variation 2195256 (VCV002195256.1), dbSNP rs752605914, ClinGen allele CA7534528.

ClinVar aggregate classification (germline): Uncertain significance (1 of 4 stars; one submission).

Conditions:
Hereditary spastic paraplegia 11. Also called: SPASTIC PARAPLEGIA, AUTOSOMAL RECESSIVE, COMPLICATED, WITH THIN CORPUS CALLOSUM; SPASTIC PARAPLEGIA, AUTOSOMAL RECESSIVE, WITH MENTAL IMPAIRMENT AND THIN CORPUS CALLOSUM; Nakamura Osame syndrome; Autosomal recessive hereditary spastic paraplegia, mental impairment, and thin corpus callosum; Spastic paraplegia, mental retardation and thin corpus callosum; Spastic Paraplegia 11. Identifiers: Orphanet 2822, MedGen C1858479, MONDO:0011445, OMIM 604360.

Allele frequency attached by ClinVar (database versions not stated): ExAC 0.00001.
gnomAD v4.1: 5 of 1,613,912 alleles (0.00031%); highest among the groups gnomAD compares: Non-Finnish European, 0.00042%; no homozygotes.

Submission:

Labcorp Genetics (formerly Invitae), Labcorp
Classification: Uncertain significance for Hereditary spastic paraplegia 11. Last evaluated: 2022-09-27. Review status: criteria provided, single submitter. Criteria: Invitae Variant Classification Sherloc (09022015). Collection method: clinical testing. Allele origin: germline.
Comment: This sequence change replaces valine, which is neutral and non-polar, with methionine, which is neutral and non-polar, at codon 1639 of the SPG11 protein (p.Val1639Met). This variant is present in population databases (rs752605914, gnomAD 0.0009%). This variant has not been reported in the literature in individuals affected with SPG11-related conditions. Advanced modeling of protein sequence and biophysical properties (such as structural, functional, and spatial information, amino acid conservation, physicochemical variation, residue mobility, and thermodynamic stability) performed at Invitae indicates that this missense variant is not expected to disrupt SPG11 protein function. In summary, the available evidence is currently insufficient to determine the role of this variant in disease. Therefore, it has been classified as a Variant of Uncertain Significance.